The following is an entry in ClinVar:

ClinVar aggregate classification (germline): Uncertain significance (1 of 4 stars; one submission).

Conditions:
Dilated cardiomyopathy 1W (CMD1W). Identifiers: Orphanet 154, MedGen C1969639, MONDO:0012667, OMIM 611407.

Submission:

Labcorp Genetics (formerly Invitae), Labcorp
Classification: Uncertain significance for Dilated cardiomyopathy 1W. Last evaluated: 2024-09-11. Review status: criteria provided, single submitter. Criteria: Invitae Variant Classification Sherloc (09022015). Collection method: clinical testing. Allele origin: germline.
Comment: This sequence change replaces leucine, which is neutral and non-polar, with methionine, which is neutral and non-polar, at codon 70 of the VCL protein (p.Leu70Met). This variant is not present in population databases (gnomAD no frequency). This variant has not been reported in the literature in individuals affected with VCL-related conditions. ClinVar contains an entry for this variant (Variation ID: 2098562). An algorithm developed to predict the effect of missense changes on protein structure and function (PolyPhen-2) suggests that this variant is likely to be tolerated. In summary, the available evidence is currently insufficient to determine the role of this variant in disease. Therefore, it has been classified as a Variant of Uncertain Significance.

NM_014000.3(VCL):c.208T>A (p.Leu70Met)

Gene: VCL (vinculin; plus strand). Cytogenetic location: 10q22.2.
Variant type: single nucleotide variant.
Coding change: c.208T>A on transcript NM_014000.3 (MANE Select); coding-DNA position 208, T replaced by A.
Protein change: p.Leu70Met; replaces leucine 70 with methionine.
Molecular consequence: missense variant.
Genome position (GRCh38, 1-based): chr10:74,043,122, T>A. VCF-style: chr10-74043122-T-A. GRCh37 (hg19) VCF-style: chr10-75802880-T-A.
Other names: c.208T>A, p.Leu70Met (NM_003373.4); short protein forms L70M.
Identifiers: ClinVar variation 2098562 (VCV002098562.4), dbSNP rs2549198959, ClinGen allele CA377260152.